The following is an entry in ClinVar:

NM_000038.6(APC):c.1760_1763dup (p.Leu589fs)

Gene: APC (APC regulator of Wnt signaling pathway; plus strand). Cytogenetic location: 5q22.2.
Variant type: Duplication.
Coding change: c.1760_1763dup on transcript NM_000038.6 (MANE Select); coding-DNA positions 1760 to 1763, 4 bases duplicated (GCGT; older notation c.1760_1763dupGCGT).
Protein change: p.Leu589fs; shifts the reading frame from leucine 589.
Molecular consequence: frameshift variant. On other transcripts: non-coding transcript variant (2).
Genome position (GRCh38, 1-based): chr5:112,834,967-112,834,970, GCGT duplicated. VCF-style (leftmost placement, unchanged base first): chr5-112834966-A-AGCGT. GRCh37 (hg19) VCF-style: chr5-112170663-A-AGCGT.
Other names: c.1760_1763dup, p.Leu589fs (NM_001127510.3, NM_001354895.2, NM_001407450.1); c.1706_1709dup, p.Leu571fs (NM_001127511.3); c.1814_1817dup, p.Leu607fs (NM_001354896.2, NM_001407447.1, NM_001407448.1 and 1 more transcripts); c.1790_1793dup, p.Leu599fs (NM_001354897.2); c.1685_1688dup, p.Leu564fs (NM_001354898.2); c.1676_1679dup, p.Leu561fs (NM_001354899.2); c.1637_1640dup, p.Leu548fs (NM_001354900.2); c.1583_1586dup, p.Leu530fs (NM_001354901.2, NM_001407453.1); and 11 more; short protein forms L205fs, L306fs, L429fs, L460fs, L463fs, L488fs, L498fs, L506fs.
Identifiers: ClinVar variation 2584005 (VCV002584005.2), dbSNP rs2533332375, ClinGen allele CA2582341314.

ClinVar aggregate classification (germline): Pathogenic (1 of 4 stars; one submission).

Conditions:
Familial adenomatous polyposis 1 (FAP1). Also called: FAMILIAL ADENOMATOUS POLYPOSIS 1, ATTENUATED; POLYPOSIS, ADENOMATOUS INTESTINAL. Identifiers: MedGen C2713442, MONDO:0021056, OMIM 175100. Disease mechanism: loss of function.

Submission:

Myriad Genetics, Inc.
Classification: Pathogenic for Familial adenomatous polyposis 1. Last evaluated: 2023-05-03. Review status: criteria provided, single submitter. Criteria: Myriad Autosomal Dominant, Autosomal Recessive and X-Linked Classification Criteria (2023). Collection method: clinical testing. Allele origin: unknown.
Comment: This variant is considered pathogenic. This variant creates a frameshift predicted to result in premature protein truncation.